The following is an entry in ClinVar:

ClinVar aggregate classification (germline): Conflicting classifications of pathogenicity. Review status: criteria provided, conflicting classifications (1 of 4 stars). 2 submissions from 2 submitters: Uncertain significance (1); Likely benign (1). Last evaluated 2024-11-22.

Conditions:
Epilepsy, familial adult myoclonic, 5 (EPEO5). Also called: CORTICAL MYOCLONIC TREMOR WITH EPILEPSY, FAMILIAL, 5. Identifiers: Orphanet 86814, MedGen C3809374, MONDO:0014167, OMIM 615400.

Allele frequency attached by ClinVar (database versions not stated): TOPMed 0.00005; gnomAD 0.00007 and 0.00008.
gnomAD v4.1: 141 of 1,613,660 alleles (0.0087%); highest among the groups gnomAD compares: East Asian, 0.16%; no homozygotes.

Submissions (2):

Labcorp Genetics (formerly Invitae), Labcorp
Classification: Likely benign for Epilepsy, familial adult myoclonic, 5. Last evaluated: 2024-11-22. Review status: criteria provided, single submitter. Criteria: Invitae Variant Classification Sherloc (09022015). Collection method: clinical testing. Allele origin: germline.

Center for Genomics, Ann and Robert H. Lurie Children's Hospital of Chicago
Classification: Uncertain significance for Epilepsy, familial adult myoclonic, 5. Last evaluated: 2021-03-30. Review status: criteria provided, single submitter. Criteria: ACMG Guidelines, 2015. Collection method: clinical testing. Allele origin: germline.
Comment: CNTN2 NM_005076.3 exon 10 p.Ala406Thr (c.1216G>A): This variant has not been reported in the literature but is present in 0.008% (5/64574) of European alleles in the Genome Aggregation Database. Evolutionary conservation and computational prediction tools for this variant are unclear. In summary, data on this variant is insufficient for disease classification. Therefore, the clinical significance of this variant is uncertain.

NM_005076.5(CNTN2):c.1216G>A (p.Ala406Thr)

Gene: CNTN2 (contactin 2; plus strand). Cytogenetic location: 1q32.1.
Variant type: single nucleotide variant.
Coding change: c.1216G>A on transcript NM_005076.5 (MANE Select); coding-DNA position 1216, G replaced by A.
Protein change: p.Ala406Thr; replaces alanine 406 with threonine.
Molecular consequence: missense variant. On other transcripts: non-coding transcript variant (1).
Genome position (GRCh38, 1-based): chr1:205,062,545, G>A. VCF-style: chr1-205062545-G-A. GRCh37 (hg19) VCF-style: chr1-205031673-G-A.
Other names: c.1216G>A, p.Ala406Thr (NM_001346083.2); short protein forms A406T.
Identifiers: ClinVar variation 1453751 (VCV001453751.9), dbSNP rs752262787, ClinGen allele CA1351300.